The following is an entry in ClinVar:

NM_000059.4(BRCA2):c.4361del (p.Pro1454fs)

Gene: BRCA2 (BRCA2 DNA repair associated; plus strand). Cytogenetic location: 13q13.1.
Variant type: Deletion.
Coding change: c.4361del on transcript NM_000059.4 (MANE Select); coding-DNA position 4361, one base deleted (C; older notation c.4361delC).
Protein change: p.Pro1454fs; shifts the reading frame from proline 1454.
Molecular consequence: frameshift variant.
Genome position (GRCh38, 1-based): chr13:32,338,716, C deleted; the last of 2 consecutive C bases (chr13:32,338,715-32,338,716); deleting either gives the same sequence. VCF-style (leftmost placement, unchanged base first): chr13-32338714-AC-A. GRCh37 (hg19) VCF-style: chr13-32912851-AC-A.
Other names: c.4361del (NM_000059.3); short protein forms P1454fs.
Identifiers: ClinVar variation 824826 (VCV000824826.13), dbSNP rs1593902131, ClinGen allele CA915948462.

ClinVar aggregate classification (germline): Pathogenic. Review status: criteria provided, multiple submitters, no conflicts (2 of 4 stars). 3 submissions from 3 submitters: Pathogenic (3). Last evaluated 2023-11-29.

Conditions:
Hereditary cancer-predisposing syndrome. Also called: Neoplastic Syndromes, Hereditary; Tumor predisposition; Hereditary neoplastic syndrome; Hereditary Cancer Syndrome. Identifiers: Orphanet 140162, MedGen C0027672, MeSH D009386, MONDO:0015356.
Hereditary breast ovarian cancer syndrome. Also called: Hereditary breast and ovarian cancer syndrome; Hereditary breast and ovarian cancer; Hereditary breast and ovarian cancer syndrome (HBOC); Breast and ovarian cancer; Hereditary breast and/or ovarian cancer syndrome; BRCA1- and BRCA2-Associated Hereditary Breast and Ovarian Cancer. Identifiers: Orphanet 145, MedGen C0677776, MeSH D061325, MONDO:0003582. Disease mechanism: loss of function.

Submissions (3):

Ambry Genetics
Classification: Pathogenic for Hereditary cancer-predisposing syndrome. Last evaluated: 2023-11-29. Review status: criteria provided, single submitter. Criteria: Ambry Variant Classification Scheme 2023. Collection method: clinical testing. Allele origin: germline.
Comment: The c.4361delC pathogenic mutation, located in coding exon 10 of the BRCA2 gene, results from a deletion of one nucleotide at nucleotide position 4361, causing a translational frameshift with a predicted alternate stop codon (p.P1454Qfs*9). This variant is considered to be rare based on population cohorts in the Genome Aggregation Database (gnomAD). This alteration is expected to result in loss of function by premature protein truncation or nonsense-mediated mRNA decay. As such, this alteration is interpreted as a disease-causing mutation.

GeneDx
Classification: Pathogenic. Last evaluated: 2023-07-10. Review status: criteria provided, single submitter. Criteria: GeneDx Variant Classification Process June 2021. Collection method: clinical testing. Allele origin: germline. Affected: yes.
Comment: Frameshift variant predicted to result in protein truncation or nonsense mediated decay in a gene for which loss of function is a known mechanism of disease; Not observed at significant frequency in large population cohorts (gnomAD); Truncating variants in this gene are considered pathogenic by a well-established clinical consortium and/or database; Has not been previously published as pathogenic or benign to our knowledge; Also known as 4589del; This variant is associated with the following publications: (PMID: 20104584)

Labcorp Genetics (formerly Invitae), Labcorp
Classification: Pathogenic for Hereditary breast ovarian cancer syndrome. Last evaluated: 2023-03-29. Review status: criteria provided, single submitter. Criteria: Invitae Variant Classification Sherloc (09022015). Collection method: clinical testing. Allele origin: germline.
Comment: This sequence change creates a premature translational stop signal (p.Pro1454Glnfs*9) in the BRCA2 gene. It is expected to result in an absent or disrupted protein product. Loss-of-function variants in BRCA2 are known to be pathogenic (PMID: 20104584). This variant is not present in population databases (gnomAD no frequency). This variant has not been reported in the literature in individuals affected with BRCA2-related conditions. ClinVar contains an entry for this variant (Variation ID: 824826). For these reasons, this variant has been classified as Pathogenic.

Literature cited by the submitters: PubMed 20104584 (cited by Labcorp Genetics (formerly Invitae), Labcorp).